The following is an entry in ClinVar:

NM_001122681.2(SH3BP2):c.*2471G>T

Gene: SH3BP2 (SH3 domain binding protein 2; plus strand). Cytogenetic location: 4p16.3.
Variant type: single nucleotide variant.
Coding change: c.*2471G>T on transcript NM_001122681.2 (MANE Select); 2471 bases downstream of the stop codon, G replaced by T.
Molecular consequence: 3 prime UTR variant.
Genome position (GRCh38, 1-based): chr4:2,836,305, G>T. VCF-style: chr4-2836305-G-T. GRCh37 (hg19) VCF-style: chr4-2838032-G-T.
Other names: c.*2471G>T (LRG_1334t1, LRG_1334t2, NM_001145855.2 and 2 more transcripts).
Identifiers: ClinVar variation 348634 (VCV000348634.5), dbSNP rs549117793, ClinGen allele CA10618641.

ClinVar aggregate classification (germline): Benign (1 of 4 stars; one submission).

Conditions:
Fibrous dysplasia of jaw (CRBM). Also called: Cherubism. Identifiers: Orphanet 184, MedGen C0008029, MONDO:0007315, OMIM 118400.

Allele frequency attached by ClinVar (database versions not stated): 1000 Genomes Project 0.00100; 1000 Genomes Project 30x 0.00125; TOPMed 0.00194.

Submission:

Illumina Laboratory Services, Illumina
Classification: Benign for Fibrous dysplasia of jaw. Last evaluated: 2018-01-13. Review status: criteria provided, single submitter. Criteria: ICSL Variant Classification Criteria 13 December 2019. Collection method: clinical testing. Allele origin: germline.
Comment: This variant was observed in the ICSL laboratory as part of a predisposition screen in an ostensibly healthy population. It had not been previously curated by ICSL or reported in the Human Gene Mutation Database (HGMD: prior to June 1st, 2018), and was therefore a candidate for classification through an automated scoring system. Utilizing variant allele frequency, disease prevalence and penetrance estimates, and inheritance mode, an automated score was calculated to assess if this variant is too frequent to cause the disease. Based on the score and internal cut-off values, a variant classified as benign is not then subjected to further curation. The score for this variant resulted in a classification of benign for this disease.